The following is an entry in ClinVar:

NM_001005388.3(NFASC):c.3260G>A (p.Ser1087Asn)

Gene: NFASC (neurofascin; plus strand). Cytogenetic location: 1q32.1.
Variant type: single nucleotide variant.
Coding change: c.3260G>A on transcript NM_001005388.3 (MANE Select); coding-DNA position 3260, G replaced by A.
Protein change: p.Ser1087Asn; replaces serine 1087 with asparagine.
Molecular consequence: missense variant. On other transcripts: intron variant (4).
Genome position (GRCh38, 1-based): chr1:205,002,719, G>A. VCF-style: chr1-205002719-G-A. GRCh37 (hg19) VCF-style: chr1-204971847-G-A.
Other names: NM_015090.4:c.3077-6838G>A; c.3581G>A, p.Ser1194Asn (NM_001378329.1); c.3092-6838G>A (NM_001160332.2); c.3077-6838G>A (NM_015090.4); c.2756-6838G>A (NM_001365986.1); c.3137-6838G>A (NM_001160331.2); short protein forms S1087N, S1194N.
Identifiers: ClinVar variation 3385357 (VCV003385357.1).

ClinVar aggregate classification (germline): Uncertain significance (1 of 4 stars; one submission).

Conditions:
Neuromuscular disease. Also called: Neuromuscular disorder; Neuromyopathy. Identifiers: Orphanet 68381, MedGen C0027868, MeSH D009468, MONDO:0019056.

gnomAD v4.1: 2 of 1,563,928 alleles (0.00013%); highest among the groups gnomAD compares: Non-Finnish European, 0.00017%; no homozygotes.

Submission:

Broad Center for Mendelian Genomics, Broad Institute of MIT and Harvard
Classification: Uncertain significance for Neuromuscular disease. Last evaluated: 2024-12-10. Review status: criteria provided, single submitter. Criteria: ACMG Guidelines, 2015. Collection method: curation. Allele origin: germline. Inheritance: Autosomal recessive inheritance. Study: GREGoR Consortium.
Comment: While this gene is still lacking sufficient evidence to establish a gene-disease relationship, we believe this is a possible novel gene candidate for myopathy. Given the limited information about this gene-disease relationship, the significance of the p.Ser1087Asn variant is uncertain. If you have any additional information about functional evidence or other individuals with this phenotype that also have variants in NFASC we encourage you to reach out to us.